The following continues an entry in ClinVar:

NM_000059.4(BRCA2):c.6821G>T (p.Gly2274Val)

Gene: BRCA2. ClinVar aggregate classification (germline): Conflicting classifications of pathogenicity. Uncertain significance (2); Benign (7); Likely benign (9).

Submissions 19 to 32 of 32:

Department of Medical and Surgical Sciences, University of Bologna
Classification: Benign for Breast-ovarian cancer, familial, susceptibility to, 2. Last evaluated: 2023-09-01. Review status: no assertion criteria provided. Collection method: clinical testing. Allele origin: germline. Affected: yes. Not counted in ClinVar's aggregate classification.
Comment: BS1(Strong)+BP1(Strong)+BP5(Strong) according to ACMG/AMP classification guidelines specified for BRCA1 & BRCA2 (Classification Criteria V1.0.0 2023-09-08) (PMID: 38160042)

BRCAlab, Lund University
Classification: Benign for Breast-ovarian cancer, familial, susceptibility to, 2. Last evaluated: 2020-03-02. Review status: no assertion criteria provided. Collection method: clinical testing. Allele origin: germline. Affected: yes. Not counted in ClinVar's aggregate classification.

PreventionGenetics, part of Exact Sciences
Classification: Benign for BRCA2-related condition. Last evaluated: 2019-09-04. Review status: no assertion criteria provided. Collection method: clinical testing. Allele origin: germline. Not counted in ClinVar's aggregate classification.
Comment: This variant is classified as benign based on ACMG/AMP sequence variant interpretation guidelines (Richards et al. 2015 PMID: 25741868, with internal and published modifications).

True Health Diagnostics
Classification: Likely benign for Hereditary cancer-predisposing syndrome. Last evaluated: 2017-08-09. Review status: no assertion criteria provided. Collection method: clinical testing. Allele origin: germline. Not counted in ClinVar's aggregate classification.

Department of Medical Genetics, University Hospital of North Norway
Classification: Likely benign for Breast-ovarian cancer, familial, susceptibility to, 2. Last evaluated: 2016-05-01. Review status: no assertion criteria provided. Collection method: clinical testing. Allele origin: germline. Affected: no. Observed: 1 variant allele. Not counted in ClinVar's aggregate classification.

Counsyl
Classification: Likely benign for Breast-ovarian cancer, familial 2. Last evaluated: 2015-02-12. Review status: no assertion criteria provided. Collection method: literature only. Allele origin: unknown. Inheritance: Autosomal dominant inheritance. Not counted in ClinVar's aggregate classification.

Foulkes Cancer Genetics LDI, Lady Davis Institute for Medical Research
Classification: Uncertain significance for Breast and/or ovarian cancer. Last evaluated: 2014-02-24. Review status: no assertion criteria provided. Collection method: clinical testing. Allele origin: germline. Study: The Canadian Open Genetics Repository (COGR). Not counted in ClinVar's aggregate classification.

Sharing Clinical Reports Project (SCRP)
Classification: Benign for Breast-ovarian cancer, familial 2. Last evaluated: 2012-05-01. Review status: no assertion criteria provided. Collection method: clinical testing. Allele origin: germline. Not counted in ClinVar's aggregate classification.

Breast Cancer Information Core (BIC) (BRCA2)
Classification: Uncertain significance for Breast-ovarian cancer, familial 2. Last evaluated: 2004-02-20. Review status: no assertion criteria provided. Collection method: clinical testing. Allele origin: germline. Affected: yes. Observed: 15 variant alleles. Not counted in ClinVar's aggregate classification.

Clinical Genetics DNA and cytogenetics Diagnostics Lab, Erasmus MC, Erasmus Medical Center
Classification: Likely benign. Review status: no assertion criteria provided. Collection method: clinical testing. Allele origin: germline. Affected: yes. Study: VKGL Data-share Consensus. Not counted in ClinVar's aggregate classification.

Clinical Genetics Laboratory, Department of Pathology, Netherlands Cancer Institute
Classification: Benign. Review status: no assertion criteria provided. Collection method: clinical testing. Allele origin: germline. Affected: yes. Study: VKGL Data-share Consensus. Not counted in ClinVar's aggregate classification.

Department of Pathology and Laboratory Medicine, Sinai Health System
Classification: Likely benign for breast cancer. Review status: no assertion criteria provided. Collection method: clinical testing. Allele origin: unknown. Affected: yes. Study: The Canadian Open Genetics Repository (COGR). Not counted in ClinVar's aggregate classification.
Comment: The BRCA2 p.Gly2274Val variant was identified in 8 of 7752 proband chromosomes (frequency: 0.001) from individuals or families with breast or ovarian cancer and was present in 1 of 2986 control chromosomes (frequency: 0.0003) from healthy individuals (Wagner 1999, Chenevix-Trench 2006, Borg 2010, Morgan 2010, Tamboom 2010, Capanu 2011, Jarhelle 2016, Konecny 2011). The variant was identified in dbSNP (rs55712212) as 'Auwith other allele'Au, ClinVar (classified as likely benign by GeneDx, Counsyl, PreventionGenetics and 4 other submitters; as benign by Color, Invitae, Ambry Genetics and SCRP; and as uncertain significance by BIC, Illumina and 2 other submitters ), LOVD 3.0 (observed 25x) and UMD-LSDB (observed 5x). The variant was identified in control databases in 445 of 267,156 chromosomes (2 homozygous) at a frequency of 0.002, increasing the likelihood this could be a low frequency benign variant (Genome Aggregation Database Feb 27, 2017). The variant was observed in the following populations: Finnish in 331 of 25,104 chromosomes (freq: 0.01), Other in 9 of 6654 chromosomes (freq: 0.001), European in 104 of 117,702 chromosomes (freq: 0.0008), and Latino in 1 of 35,100 chromosomes (freq: 0.00003); it was not observed in the African, Ashkenazi Jewish, East Asian or South Asian populations. In multiple studies using multifactorial probability models, likelihood ratios predicted the variant to be 'Auneutral'Au (Chenevix-Trench 2006, Lindor 2012). The p.Gly2274 residue is not conserved in mammals and computational analyses (PolyPhen-2, SIFT, AlignGVGD, BLOSUM, MutationTaster) provide inconsistent predictions regarding the impact to the protein; this information is not very predictive of pathogenicity. The variant occurs outside of the splicing consensus sequence and in silico or computational prediction software programs (SpliceSiteFinder, MaxEntScan, NNSPLICE, GeneSplicer) do not predict a difference in splicing. In summary, based on the above information, the clinical significance of this variant cannot be determined with certainty at this time although we would lean towards a more benign role for this variant. This variant is classified as likely benign.

Joint Genome Diagnostic Labs from Nijmegen and Maastricht, Radboudumc and MUMC+
Classification: Likely benign. Review status: no assertion criteria provided. Collection method: clinical testing. Allele origin: germline. Affected: yes. Study: VKGL Data-share Consensus. Not counted in ClinVar's aggregate classification.

Laboratory of Diagnostic Genome Analysis, Leiden University Medical Center (LUMC)
Classification: Likely benign. Review status: no assertion criteria provided. Collection method: clinical testing. Allele origin: germline. Affected: yes. Study: VKGL Data-share Consensus. Not counted in ClinVar's aggregate classification.

Literature cited by the submitters: PubMed 27495310 (cited by Department of Medical Genetics, University Hospital of North Norway); PubMed 16489001 (cited by Counsyl); PubMed 9971877 (cited by Counsyl); PubMed 20104584 (cited by Counsyl); PubMed 20380699 (cited by Counsyl); PubMed 20127978 (cited by Counsyl).